The following is an entry in ClinVar:

ClinVar aggregate classification (germline): Pathogenic (1 of 4 stars; one submission).

Conditions:
Fanconi anemia complementation group O. Also called: RAD51C-Related Fanconi Anemia. Identifiers: Orphanet 84, MedGen C3150653, MONDO:0013248, OMIM 613390.

Submission:

Labcorp Genetics (formerly Invitae), Labcorp
Classification: Pathogenic for Fanconi anemia complementation group O. Last evaluated: 2021-12-14. Review status: criteria provided, single submitter. Criteria: Invitae Variant Classification Sherloc (09022015). Collection method: clinical testing. Allele origin: germline.
Comment: For these reasons, this variant has been classified as Pathogenic. This variant has not been reported in the literature in individuals affected with RAD51C-related conditions. This variant is a gross deletion of the genomic region encompassing exon(s) 2 of the RAD51C gene. This deletion is out-of-frame, and is expected to create a premature termination codon and result in an absent or disrupted protein product. Loss-of-function variants in RAD51C are known to be pathogenic (PMID: 20400964, 21990120, 24800917).

Literature cited by the submitters: PubMed 20400964; PubMed 21990120; PubMed 24800917.

NC_000017.10:g.(?_56772282)_(56772560_?)del

Gene: RAD51C (RAD51 paralog C; plus strand). Cytogenetic location: 17q22.
Variant type: Deletion.
Identifiers: ClinVar variation 1458555 (VCV001458555.4).